The following is an entry in ClinVar:

ClinVar aggregate classification (germline): Uncertain significance (1 of 4 stars; one submission).

Conditions:
Hereditary cancer-predisposing syndrome. Also called: Neoplastic Syndromes, Hereditary; Hereditary Cancer Syndrome; Tumor predisposition; Hereditary neoplastic syndrome. Identifiers: Orphanet 140162, MedGen C0027672, MeSH D009386, MONDO:0015356.

Submission:

Labcorp Genetics (formerly Invitae), Labcorp
Classification: Uncertain significance for Hereditary cancer-predisposing syndrome. Last evaluated: 2023-04-03. Review status: criteria provided, single submitter. Criteria: Invitae Variant Classification Sherloc (09022015). Collection method: clinical testing. Allele origin: germline.
Comment: In summary, the available evidence is currently insufficient to determine the role of this variant in disease. Therefore, it has been classified as a Variant of Uncertain Significance. Advanced modeling of protein sequence and biophysical properties (such as structural, functional, and spatial information, amino acid conservation, physicochemical variation, residue mobility, and thermodynamic stability) performed at Invitae indicates that this missense variant is expected to disrupt RAD50 protein function. This variant has not been reported in the literature in individuals affected with RAD50-related conditions. This variant is not present in population databases (gnomAD no frequency). This sequence change replaces valine, which is neutral and non-polar, with glycine, which is neutral and non-polar, at codon 983 of the RAD50 protein (p.Val983Gly).

NM_005732.4(RAD50):c.2948T>G (p.Val983Gly)

Gene: RAD50 (RAD50 double strand break repair protein; plus strand). Cytogenetic location: 5q31.1.
Variant type: single nucleotide variant.
Coding change: c.2948T>G on transcript NM_005732.4 (MANE Select); coding-DNA position 2948, T replaced by G.
Protein change: p.Val983Gly; replaces valine 983 with glycine.
Molecular consequence: missense variant.
Genome position (GRCh38, 1-based): chr5:132,609,308, T>G. VCF-style: chr5-132609308-T-G. GRCh37 (hg19) VCF-style: chr5-131945000-T-G.
Other names: short protein forms V983G.
Identifiers: ClinVar variation 2851623 (VCV002851623.3), dbSNP rs2479371572, ClinGen allele CA360960375.
Genomic context (GRCh38, chr5:132,609,308, plus strand): 5'-TTATTCATGTGCTTAAAGAATTTTCTTTTTTGTAGCAAAAAGAAACTGAACTTAATAAAG[T>G]AATAGCTCAACTAAGTGAATGCGAGAAACACAAAGAAAAGATAAATGAAGATATGAGACT-3'
Protein context (NP_005723.2, residues 973-993): KKQKETELNK[Val983Gly]IAQLSECEKH